The following is an entry in ClinVar:

NM_000257.4(MYH7):c.2472C>G (p.Val824=)

Genes: MYH7 (myosin heavy chain 7; minus strand), LOC126861898 (BRD4-independent group 4 enhancer GRCh37_chr14:23893609-23894808; plus strand). Cytogenetic location: 14q11.2.
Variant type: single nucleotide variant.
Coding change: c.2472C>G on transcript NM_000257.4 (MANE Select); coding-DNA position 2472, C replaced by G.
Protein change: p.Val824=; no amino-acid change (valine 824 retained).
Molecular consequence: synonymous variant.
Genome position (GRCh38, 1-based): chr14:23,424,976, G>C on the plus strand (C>G on the coding strand, the complement: MYH7 is on the minus strand). VCF-style: chr14-23424976-G-C. GRCh37 (hg19) VCF-style: chr14-23894185-G-C.
Other names: c.2472C>G (LRG_384t1).
Identifiers: ClinVar variation 381376 (VCV000381376.13), dbSNP rs397516150, ClinGen allele CA033029.

ClinVar aggregate classification (germline): Likely benign. Review status: criteria provided, multiple submitters, no conflicts (2 of 4 stars). 4 submissions from 4 submitters: Likely benign (4). Last evaluated 2025-09-20.

Conditions:
Cardiovascular phenotype. Identifiers: MedGen CN230736.
Cardiomyopathy (CMYO). Also called: Cardiomyopathies. Identifiers: Orphanet 167848, MedGen C0878544, MONDO:0004994, HP:0001638. Inheritance: Various modes of inheritance.
Hypertrophic cardiomyopathy. Also called: HYPERTROPHIC MYOCARDIOPATHY. Identifiers: Orphanet 217569, MedGen C0007194, MeSH D002312, MONDO:0005045, HP:0001639.

Allele frequency attached by ClinVar (database versions not stated): ExAC 0.00001; TOPMed 0.00002.

Submissions (4):

Labcorp Genetics (formerly Invitae), Labcorp
Classification: Likely benign for Hypertrophic cardiomyopathy. Last evaluated: 2025-09-20. Review status: criteria provided, single submitter. Criteria: Invitae Variant Classification Sherloc (09022015). Collection method: clinical testing. Allele origin: germline.

All of Us Research Program, National Institutes of Health
Classification: Likely benign for Cardiomyopathy. Last evaluated: 2023-04-10. Review status: criteria provided, single submitter. Criteria: ACMG Guidelines, 2015. Collection method: clinical testing. Allele origin: germline. Inheritance: Autosomal dominant inheritance. Observed: 1 variant allele, 1 heterozygote.
Comment: This study involves interpretation of variants in research participants for the purpose of population health screening. Participant phenotype was not available at the time of variant classification. Additional details can be found in publication PMID: 35346344, PMCID: PMC8962531

Ambry Genetics
Classification: Likely benign for Cardiovascular phenotype. Last evaluated: 2022-03-19. Review status: criteria provided, single submitter. Criteria: Ambry Variant Classification Scheme 2023. Collection method: clinical testing. Allele origin: germline.

GeneDx
Classification: Likely benign. Last evaluated: 2015-11-06. Review status: criteria provided, single submitter. Criteria: GeneDx Variant Classification (06012015). Collection method: clinical testing. Allele origin: germline. Affected: yes.
Comment: This variant is considered likely benign or benign based on one or more of the following criteria: it is a conservative change, it occurs at a poorly conserved position in the protein, it is predicted to be benign by multiple in silico algorithms, and/or has population frequency not consistent with disease.